The following is an entry in ClinVar:

ClinVar aggregate classification (germline): Pathogenic (1 of 4 stars; one submission).

Submission:

Labcorp Genetics (formerly Invitae), Labcorp
Classification: Pathogenic. Last evaluated: 2024-01-25. Review status: criteria provided, single submitter. Criteria: Invitae Variant Classification Sherloc (09022015). Collection method: clinical testing. Allele origin: germline.
Comment: This sequence change creates a premature translational stop signal (p.Leu683Alafs*34) in the PHEX gene. While this is not anticipated to result in nonsense mediated decay, it is expected to disrupt the last 67 amino acid(s) of the PHEX protein. This variant is not present in population databases (gnomAD no frequency). This variant has not been reported in the literature in individuals affected with PHEX-related conditions. This variant disrupts a region of the PHEX protein in which other variant(s) (p.Arg747*) have been determined to be pathogenic (PMID: 9199930, 9768674). This suggests that this is a clinically significant region of the protein, and that variants that disrupt it are likely to be disease-causing. For these reasons, this variant has been classified as Pathogenic.

Literature cited by the submitters: PubMed 9199930; PubMed 9768674.

NM_000444.6(PHEX):c.2045dup (p.Leu683fs)

Genes: PHEX (phosphate regulating endopeptidase X-linked; plus strand), PTCHD1-AS (PTCHD1 and PHEX antisense RNA; minus strand). Cytogenetic location: Xp22.11.
Variant type: Duplication.
Coding change: c.2045dup on transcript NM_000444.6 (MANE Select); coding-DNA position 2045, one base duplicated (A; older notation c.2045dupA).
Protein change: p.Leu683fs; shifts the reading frame from leucine 683.
Molecular consequence: frameshift variant. On other transcripts: non-coding transcript variant (1).
Genome position (GRCh38, 1-based): chrX:22,227,586, A duplicated. VCF-style (leftmost placement, unchanged base first): chrX-22227585-C-CA. GRCh37 (hg19) VCF-style: chrX-22245702-C-CA.
Other names: c.2045dup, p.Leu683fs (NM_001282754.2); short protein forms L683fs.
Identifiers: ClinVar variation 3633241 (VCV003633241.2).
Genomic context (GRCh38, chrX:22,227,585, plus strand): 5'-AATGACAGAAGGCAGGGACTTGAGGAGCCTCTTCTACCAGGCATCACATTCACCAACAAC[C>CA]AGCTCTTCTTCCTGAGTTATGCTCATGTGAGTAGACTGAGGAAGGGGCATCAGGGATGAG-3'